The following is an entry in ClinVar:

NM_006393.3(NEBL):c.543C>A (p.Asp181Glu)

Gene: NEBL (nebulette; minus strand). Cytogenetic location: 10p12.31.
Variant type: single nucleotide variant.
Coding change: c.543C>A on transcript NM_006393.3 (MANE Select); coding-DNA position 543, C replaced by A.
Protein change: p.Asp181Glu; replaces aspartic acid 181 with glutamic acid.
Molecular consequence: missense variant. On other transcripts: intron variant (9).
Genome position (GRCh38, 1-based): chr10:20,869,779, G>T on the plus strand (C>A on the coding strand, the complement: NEBL is on the minus strand). VCF-style: chr10-20869779-G-T. GRCh37 (hg19) VCF-style: chr10-21158708-G-T.
Other names: c.250-56839C>A (NM_001377326.1, NM_001377327.1, NM_001377328.1); c.358-56839C>A (NM_213569.2, NM_001173484.2, NM_001377322.1); c.301-56839C>A (NM_001377324.1); c.292-56839C>A (NM_001377325.1); c.310-56839C>A (NM_001377323.1); short protein forms D181E.
Identifiers: ClinVar variation 3641353 (VCV003641353.2).
Genomic context (GRCh38, chr10:20,869,779, plus strand): 5'-AGGTTTAGAAAGAGAAGTTACATTGCTTATGATCTTAGAGATCTGGGTTGCCATCTTGAT[G>T]TCTGGTCGGTCAAGTTCTGCACTGTACGTGTGGGTGTCCTGCACGTCTTTCCTATAAGAA-3'
Protein context (NP_006384.1, residues 171-191): HTYSAELDRP[Asp181Glu]IKMATQISKI

ClinVar aggregate classification (germline): Uncertain significance (1 of 4 stars; one submission).

Conditions:
Primary dilated cardiomyopathy (DCM). Also called: Dilated Cardiomyopathy. Identifiers: Orphanet 217604, MedGen C0007193, MeSH D002311, MONDO:0005021, HP:0001644. Inheritance: Various modes of inheritance.

gnomAD v4.1: 1 of 1,613,502 alleles (0.000062%); highest among the groups gnomAD compares: Non-Finnish European, 0.000085%; no homozygotes.

Submission:

Labcorp Genetics (formerly Invitae), Labcorp
Classification: Uncertain significance for Primary dilated cardiomyopathy. Last evaluated: 2024-02-16. Review status: criteria provided, single submitter. Criteria: Invitae Variant Classification Sherloc (09022015). Collection method: clinical testing. Allele origin: germline.
Comment: This sequence change replaces aspartic acid, which is acidic and polar, with glutamic acid, which is acidic and polar, at codon 181 of the NEBL protein (p.Asp181Glu). This variant is not present in population databases (gnomAD no frequency). This variant has not been reported in the literature in individuals affected with NEBL-related conditions. An algorithm developed to predict the effect of missense changes on protein structure and function (PolyPhen-2) suggests that this variant is likely to be disruptive. In summary, the available evidence is currently insufficient to determine the role of this variant in disease. Therefore, it has been classified as a Variant of Uncertain Significance.